The following is an entry in ClinVar:

NM_000051.4(ATM):c.4910-2A>T

Gene: ATM (ATM serine/threonine kinase; plus strand). Cytogenetic location: 11q22.3.
Variant type: single nucleotide variant.
Coding change: c.4910-2A>T on transcript NM_000051.4 (MANE Select); the canonical splice acceptor site of the intron before coding-DNA position 4910, A replaced by T.
Molecular consequence: splice acceptor variant.
Genome position (GRCh38, 1-based): chr11:108,297,285, A>T. VCF-style: chr11-108297285-A-T. GRCh37 (hg19) VCF-style: chr11-108168012-A-T.
Other names: c.4910-2A>T (NM_001351834.2).
Identifiers: ClinVar variation 490589 (VCV000490589.16), dbSNP rs1555103156, ClinGen allele CA382537928.

ClinVar aggregate classification (germline): Likely pathogenic. Review status: criteria provided, multiple submitters, no conflicts (2 of 4 stars). 3 submissions from 3 submitters: Likely pathogenic (3). Last evaluated 2026-02-04.

Conditions:
Hereditary cancer-predisposing syndrome. Also called: Tumor predisposition; Hereditary Cancer Syndrome; Neoplastic Syndromes, Hereditary; Hereditary neoplastic syndrome. Identifiers: Orphanet 140162, MedGen C0027672, MeSH D009386, MONDO:0015356.
Ataxia-telangiectasia syndrome (AT). Also called: Ataxia telangiectasia (A-T); LOUIS-BAR SYNDROME; ATAXIA-TELANGIECTASIA, FRESNO VARIANT; Ataxia-telangiectasia; Ataxia-telangiectasia, complementation group E; Ataxia-telangiectasia, complementation group D. Identifiers: Orphanet 100, MedGen C0004135, MONDO:0008840, OMIM 208900.

Allele frequency attached by ClinVar (database versions not stated): gnomAD 0.00001.

Submissions (3):

Ambry Genetics
Classification: Likely pathogenic for Hereditary cancer-predisposing syndrome. Last evaluated: 2026-02-04. Review status: criteria provided, single submitter. Criteria: Ambry Variant Classification Scheme 2023. Collection method: clinical testing. Allele origin: germline.
Comment: The c.4910-2A>T intronic variant results from an A to T substitution two nucleotides upstream from coding exon 32 in the ATM gene. Variants that disrupt the canonical splice site are expected to result in aberrant splicing. In silico splice site analysis predicts that this alteration will weaken the native splice acceptor site. A resulting transcript is predicted to be in-frame and is not expected to trigger nonsense-mediated mRNAdecay; although, direct evidence is unavailable. However, the region predicted to be impacted is critical for protein function (Ambry internal data). This variant is considered to be rare based on population cohorts in the Genome Aggregation Database (gnomAD). This nucleotide position is highly conserved in available vertebrate species. Based on the majority of available evidence to date, this variant is likely to be pathogenic

Color Diagnostics, LLC DBA Color Health
Classification: Likely pathogenic for Hereditary cancer-predisposing syndrome. Last evaluated: 2022-01-31. Review status: criteria provided, single submitter. Criteria: ACMG Guidelines, 2015. Collection method: clinical testing. Allele origin: germline.
Comment: This variant causes an A to T nucleotide substitution at the -2 position of intron 32 of the ATM gene. Splice site prediction tools predict that this variant may have a significant impact on RNA splicing. Although this prediction has not been confirmed in published RNA studies, this variant is expected to result in an absent or disrupted protein product. This variant has not been reported in individuals affected with hereditary cancer in the literature. This variant has not been identified in the general population by the Genome Aggregation Database (gnomAD). Loss of ATM function is a known mechanism of disease. Based on the available evidence, this variant is classified as Likely Pathogenic.

Labcorp Genetics (formerly Invitae), Labcorp
Classification: Likely pathogenic for Ataxia-telangiectasia syndrome. Last evaluated: 2020-07-26. Review status: criteria provided, single submitter. Criteria: Invitae Variant Classification Sherloc (09022015). Collection method: clinical testing. Allele origin: germline.
Comment: In summary, the currently available evidence indicates that the variant is pathogenic, but additional data are needed to prove that conclusively. Therefore, this variant has been classified as Likely Pathogenic. Donor and acceptor splice site variants typically lead to a loss of protein function (PMID: 16199547), and loss-of-function variants in ATM are known to be pathogenic (PMID: 23807571, 25614872). This variant has not been reported in the literature in individuals with ATM-related conditions. ClinVar contains an entry for this variant (Variation ID: 490589). This variant is not present in population databases (ExAC no frequency). This sequence change affects an acceptor splice site in intron 32 of the ATM gene. It is expected to disrupt RNA splicing and likely results in an absent or disrupted protein product.

Literature cited by the submitters: PubMed 16199547 (cited by Labcorp Genetics (formerly Invitae), Labcorp); PubMed 23807571 (cited by Labcorp Genetics (formerly Invitae), Labcorp); PubMed 25614872 (cited by Labcorp Genetics (formerly Invitae), Labcorp).